The following is an entry in ClinVar:

ClinVar aggregate classification (germline): Uncertain significance (1 of 4 stars; one submission).

Allele frequency attached by ClinVar (database versions not stated): gnomAD exomes 0.00001; ExAC 0.00002.
gnomAD v4.1: 12 of 1,613,558 alleles (0.00074%); highest among the groups gnomAD compares: East Asian, 0.0022%; no homozygotes.

Submission:

Labcorp Genetics (formerly Invitae), Labcorp
Classification: Uncertain significance. Last evaluated: 2022-07-15. Review status: criteria provided, single submitter. Criteria: Invitae Variant Classification Sherloc (09022015). Collection method: clinical testing. Allele origin: germline.
Comment: This sequence change replaces glycine, which is neutral and non-polar, with serine, which is neutral and polar, at codon 573 of the ADGRV1 protein (p.Gly573Ser). This variant is present in population databases (rs760553439, gnomAD 0.002%). This variant has not been reported in the literature in individuals affected with ADGRV1-related conditions. Algorithms developed to predict the effect of missense changes on protein structure and function are either unavailable or do not agree on the potential impact of this missense change (SIFT: "Deleterious"; PolyPhen-2: "Probably Damaging"; Align-GVGD: "Class C0"). In summary, the available evidence is currently insufficient to determine the role of this variant in disease. Therefore, it has been classified as a Variant of Uncertain Significance.

NM_032119.4(ADGRV1):c.1717G>A (p.Gly573Ser)

Gene: ADGRV1 (adhesion G protein-coupled receptor V1; plus strand). Cytogenetic location: 5q14.3.
Variant type: single nucleotide variant.
Coding change: c.1717G>A on transcript NM_032119.4 (MANE Select); coding-DNA position 1717, G replaced by A.
Protein change: p.Gly573Ser; replaces glycine 573 with serine.
Molecular consequence: missense variant. On other transcripts: non-coding transcript variant (1).
Genome position (GRCh38, 1-based): chr5:90,629,417, G>A. VCF-style: chr5-90629417-G-A. GRCh37 (hg19) VCF-style: chr5-89925234-G-A.
Other names: short protein forms G573S.
Identifiers: ClinVar variation 1935270 (VCV001935270.2), dbSNP rs760553439, ClinGen allele CA3338739.